The following is an entry in ClinVar:

ClinVar aggregate classification (germline): Uncertain significance (1 of 4 stars; one submission).

Conditions:
Inborn genetic diseases. Identifiers: MedGen C0950123, MeSH D030342.

Allele frequency attached by ClinVar (database versions not stated): ExAC 0.00001; gnomAD 0.00001.
gnomAD v4.1: 5 of 1,613,600 alleles (0.00031%); highest among the groups gnomAD compares: South Asian, 0.0055%; no homozygotes.

Submission:

Ambry Genetics
Classification: Uncertain significance for Inborn genetic diseases. Last evaluated: 2024-01-13. Review status: criteria provided, single submitter. Criteria: Ambry Variant Classification Scheme 2023. Collection method: clinical testing. Allele origin: germline.
Comment: The p.S766F variant (also known as c.2297C>T), located in coding exon 19 of the LRRK2 gene, results from a C to T substitution at nucleotide position 2297. The serine at codon 766 is replaced by phenylalanine, an amino acid with highly dissimilar properties. This amino acid position is conserved. In addition, this alteration is predicted to be tolerated by in silico analysis. Since supporting evidence is limited at this time, the clinical significance of this alteration remains unclear.

NM_198578.4(LRRK2):c.2297C>T (p.Ser766Phe)

Gene: LRRK2 (leucine rich repeat kinase 2; plus strand). Cytogenetic location: 12q12.
Variant type: single nucleotide variant.
Coding change: c.2297C>T on transcript NM_198578.4 (MANE Select); coding-DNA position 2297, C replaced by T.
Protein change: p.Ser766Phe; replaces serine 766 with phenylalanine.
Molecular consequence: missense variant.
Genome position (GRCh38, 1-based): chr12:40,283,930, C>T. VCF-style: chr12-40283930-C-T. GRCh37 (hg19) VCF-style: chr12-40677732-C-T.
Other names: short protein forms S766F.
Identifiers: ClinVar variation 3229550 (VCV003229550.1), dbSNP rs766341710, ClinGen allele CA6513609.